The following is an entry in ClinVar:

NC_000011.9:g.(?_108004537)_(108005053_?)dup

Gene: ACAT1 (acetyl-CoA acetyltransferase 1; plus strand). Cytogenetic location: 11q22.3.
Variant type: Duplication.
Identifiers: ClinVar variation 1066250 (VCV001066250.5).

ClinVar aggregate classification (germline): Likely pathogenic (1 of 4 stars; one submission).

Conditions:
Deficiency of acetyl-CoA acetyltransferase. Also called: 3-KETOTHIOLASE DEFICIENCY; 3-OXOTHIOLASE DEFICIENCY; MITOCHONDRIAL ACETOACETYL-CoA THIOLASE DEFICIENCY; Beta-ketothiolase deficiency. Identifiers: Orphanet 134, MedGen C1536500, MONDO:0008760, OMIM 203750. Disease mechanism: loss of function.

Submission:

Labcorp Genetics (formerly Invitae), Labcorp
Classification: Likely pathogenic for Deficiency of acetyl-CoA acetyltransferase. Last evaluated: 2021-05-12. Review status: criteria provided, single submitter. Criteria: Invitae Variant Classification Sherloc (09022015). Collection method: clinical testing. Allele origin: germline.
Comment: In summary, the currently available evidence indicates that the variant is pathogenic, but additional data are needed to prove that conclusively. Therefore, this variant has been classified as Likely Pathogenic. Loss-of-function variants in ACAT1 are known to be pathogenic (PMID: 7749408). This variant has not been reported in the literature in individuals with ACAT1-related conditions. This variant results in a copy number gain of the genomic region encompassing exons 3-4 of the ACAT1 gene. While the exact position of this variant cannot be determined from this data, sub-genic copy number gains are generally in tandem (PMID: 25640679) and may result in an absent or disrupted protein product.

Literature cited by the submitters: PubMed 7749408; PubMed 25640679.